The following is an entry in ClinVar:

ClinVar aggregate classification (germline): Uncertain significance (1 of 4 stars; one submission).

gnomAD v4.1: 5 of 1,611,592 alleles (0.00031%); highest among the groups gnomAD compares: Admixed American, 0.0083%; no homozygotes.

Submission:

Labcorp Genetics (formerly Invitae), Labcorp
Classification: Uncertain significance. Last evaluated: 2021-11-28. Review status: criteria provided, single submitter. Criteria: Invitae Variant Classification Sherloc (09022015). Collection method: clinical testing. Allele origin: germline.
Comment: In summary, the available evidence is currently insufficient to determine the role of this variant in disease. Therefore, it has been classified as a Variant of Uncertain Significance. Algorithms developed to predict the effect of missense changes on protein structure and function are either unavailable or do not agree on the potential impact of this missense change (SIFT: "Tolerated"; PolyPhen-2: "Probably Damaging"; Align-GVGD: "Class C0"). This variant has not been reported in the literature in individuals affected with TNNT3-related conditions. This variant is present in population databases (rs774521719, gnomAD 0.01%). This sequence change replaces alanine, which is neutral and non-polar, with glutamic acid, which is acidic and polar, at codon 122 of the TNNT3 protein (p.Ala122Glu).

NM_006757.4(TNNT3):c.365C>A (p.Ala122Glu)

Gene: TNNT3 (troponin T3, fast skeletal type; plus strand). Cytogenetic location: 11p15.5.
Variant type: single nucleotide variant.
Coding change: c.365C>A on transcript NM_006757.4 (MANE Select); coding-DNA position 365, C replaced by A.
Protein change: p.Ala122Glu; replaces alanine 122 with glutamic acid.
Molecular consequence: missense variant.
Genome position (GRCh38, 1-based): chr11:1,934,007, C>A. VCF-style: chr11-1934007-C-A. GRCh37 (hg19) VCF-style: chr11-1955237-C-A.
Other names: c.341C>A, p.Ala114Glu (NM_001042780.3, NM_001042782.3, NM_001297646.2 and 2 more transcripts); c.359C>A, p.Ala120Glu (NM_001042781.3, NM_001367842.1, NM_001367843.1); c.308C>A, p.Ala103Glu (NM_001367850.1); c.161C>A, p.Ala54Glu (NM_001367851.1, NM_001367852.1); c.374C>A, p.Ala125Glu (NM_001363561.2, NM_001367847.1); c.398C>A, p.Ala133Glu (NM_001367846.1); c.362C>A, p.Ala121Glu (NM_001367848.1); c.353C>A, p.Ala118Glu (NM_001367849.1); short protein forms A120E, A125E, A118E, A103E, A122E, A114E, A121E, A133E.
Identifiers: ClinVar variation 1505474 (VCV001505474.6), dbSNP rs774521719, ClinGen allele CA5816448.
Genomic context (GRCh38, chr11:1,934,007, plus strand): 5'-AGAGAGCGGAGCAGCAGAGGATTCGTGCAGAGAAGGAGAGGGAGCGCCAGAACAGACTGG[C>A]GGTGAGGGCACCATCCGCACTGCTGCCTCATCAGAGAATGAGCCCCAGGCCCAGAGAAAT-3'
Protein context (NP_006748.1, residues 112-132): EKERERQNRL[Ala122Glu]EEKARREEED